The following is an entry in ClinVar:

ClinVar aggregate classification (germline): Pathogenic. Review status: criteria provided, multiple submitters, no conflicts (2 of 4 stars). 2 submissions from 2 submitters: Pathogenic (2). Last evaluated 2025-10-03.

Conditions:
Inborn genetic diseases. Identifiers: MedGen C0950123, MeSH D030342.
Intellectual developmental disorder, autosomal recessive 7. Also called: Intellectual disability, autosomal recessive 7. Identifiers: Orphanet 88616, MedGen C1970197, MONDO:0012615, OMIM 611093.

Submissions (2):

Labcorp Genetics (formerly Invitae), Labcorp
Classification: Pathogenic for Intellectual developmental disorder, autosomal recessive 7. Last evaluated: 2025-10-03. Review status: criteria provided, single submitter. Criteria: Invitae Variant Classification Sherloc (09022015). Collection method: clinical testing. Allele origin: germline.
Comment: This sequence change creates a premature translational stop signal (p.Gln177*) in the TUSC3 gene. It is expected to result in an absent or disrupted protein product. Loss-of-function variants in TUSC3 are known to be pathogenic (PMID: 18455129, 25626710). This variant is not present in population databases (gnomAD no frequency). This variant has not been reported in the literature in individuals affected with TUSC3-related conditions. ClinVar contains an entry for this variant (Variation ID: 2603687). For these reasons, this variant has been classified as Pathogenic.

Ambry Genetics
Classification: Pathogenic for Inborn genetic diseases. Last evaluated: 2023-06-21. Review status: criteria provided, single submitter. Criteria: Ambry Variant Classification Scheme 2023. Collection method: clinical testing. Allele origin: germline.
Comment: The c.529C>T (p.Q177*) alteration, located in exon 4 (coding exon 4) of the TUSC3 gene, consists of a C to T substitution at nucleotide position 529. This changes the amino acid from a glutamine (Q) to a stop codon at amino acid position 177. This alteration is expected to result in loss of function by premature protein truncation or nonsense-mediated mRNA decay. This variant was not reported in population-based cohorts in the Genome Aggregation Database (gnomAD). Based on the available evidence, this alteration is classified as pathogenic.

Literature cited by the submitters: PubMed 18455129 (cited by Labcorp Genetics (formerly Invitae), Labcorp); PubMed 25626710 (cited by Labcorp Genetics (formerly Invitae), Labcorp).

NM_006765.4(TUSC3):c.529C>T (p.Gln177Ter)

Gene: TUSC3 (tumor suppressor candidate 3; plus strand). Cytogenetic location: 8p22.
Variant type: single nucleotide variant.
Coding change: c.529C>T on transcript NM_006765.4 (MANE Select); coding-DNA position 529, C replaced by T.
Protein change: p.Gln177Ter; replaces glutamine 177 with a stop codon.
Molecular consequence: nonsense. On other transcripts: non-coding transcript variant (5).
Genome position (GRCh38, 1-based): chr8:15,659,609, C>T. VCF-style: chr8-15659609-C-T. GRCh37 (hg19) VCF-style: chr8-15517118-C-T.
Other names: c.529C>T, p.Gln177Ter (NM_001356429.2, NM_001413583.1, NM_001413673.1 and 16 more transcripts); c.361C>T, p.Gln121Ter (NM_001413669.1, NM_001413671.1, NM_001413672.1); c.469C>T, p.Gln157Ter (NM_001413670.1); c.97C>T, p.Gln33Ter (NM_001413677.1); c.142C>T, p.Gln48Ter (NM_001413678.1); c.523C>T, p.Gln175Ter (NM_001413690.1); short protein forms Q33*, Q121*, Q177*, Q157*, Q48*, Q175*.
Identifiers: ClinVar variation 2603687 (VCV002603687.3), dbSNP rs1807331250, ClinGen allele CA370385880.